The following is an entry in ClinVar:

NM_173354.5(SIK1):c.624+6A>G

Gene: SIK1 (salt inducible kinase 1; minus strand). Cytogenetic location: 21q22.3.
Variant type: single nucleotide variant.
Coding change: c.624+6A>G on transcript NM_173354.5 (MANE Select); 6 bases into the intron after coding-DNA position 624, A replaced by G.
Molecular consequence: intron variant.
Genome position (GRCh38, 1-based): chr21:43,421,237, T>C on the plus strand (A>G on the coding strand, the complement: SIK1 is on the minus strand). VCF-style: chr21-43421237-T-C. GRCh37 (hg19) VCF-style: chr21-44841117-T-C.
Identifiers: ClinVar variation 1397470 (VCV001397470.6), dbSNP rs2146473637, ClinGen allele CA2573157498.
Genomic context (GRCh38, chr21:43,421,237, plus strand): 5'-CCGGGAACACGGCGCCCTCGGGGAACGCGGCCTCGGGAAGGGGGTCTGCGCGCACAGGGC[T>C]CCTACCCAGATGTCCAGCTGGGGGCCTTCATACTCCTTCCCCTCAAAGACTTCCGGGGCG-3'

ClinVar aggregate classification (germline): Uncertain significance (1 of 4 stars; one submission).

Conditions:
Developmental and epileptic encephalopathy, 30 (DEE30). Also called: Epileptic encephalopathy, early infantile, 30. Identifiers: MedGen C4225360, MONDO:0014595, OMIM 616341.

Submission:

Labcorp Genetics (formerly Invitae), Labcorp
Classification: Uncertain significance for Developmental and epileptic encephalopathy, 30. Last evaluated: 2022-11-22. Review status: criteria provided, single submitter. Criteria: Invitae Variant Classification Sherloc (09022015). Collection method: clinical testing. Allele origin: germline.
Comment: In summary, the available evidence is currently insufficient to determine the role of this variant in disease. Therefore, it has been classified as a Variant of Uncertain Significance. Variants that disrupt the consensus splice site are a relatively common cause of aberrant splicing (PMID: 17576681, 9536098). Algorithms developed to predict the effect of sequence changes on RNA splicing suggest that this variant is not likely to affect RNA splicing. ClinVar contains an entry for this variant (Variation ID: 1397470). This variant has not been reported in the literature in individuals affected with SIK1-related conditions. This variant is not present in population databases (gnomAD no frequency). This sequence change falls in intron 6 of the SIK1 gene. It does not directly change the encoded amino acid sequence of the SIK1 protein. It affects a nucleotide within the consensus splice site.

Literature cited by the submitters: PubMed 17576681; PubMed 9536098.